The following is an entry in ClinVar:

NM_002204.4(ITGA3):c.1590C>T (p.Arg530=)

Gene: ITGA3 (integrin subunit alpha 3; plus strand). Cytogenetic location: 17q21.33.
Variant type: single nucleotide variant.
Coding change: c.1590C>T on transcript NM_002204.4 (MANE Select); coding-DNA position 1590, C replaced by T.
Protein change: p.Arg530=; no amino-acid change (arginine 530 retained).
Molecular consequence: synonymous variant.
Genome position (GRCh38, 1-based): chr17:50,075,651, C>T. VCF-style: chr17-50075651-C-T. GRCh37 (hg19) VCF-style: chr17-48153015-C-T.
Other names: c.1590C>T (NM_002204.3).
Identifiers: ClinVar variation 1532936 (VCV001532936.9), dbSNP rs750640979, ClinGen allele CA500826205.
Genomic context (GRCh38, chr17:50,075,651, plus strand): 5'-ACCTGTAGCCCTGGCCTACACTCTGGAGGCTGACAGGGACCGCCGGCCGCCCCGGCTCCG[C>T]TTTGCCGGCAGTGAGTCCGCTGTCTTCCACGGCTTCTTCTCCATGCCCGAGATGCGCTGC-3'
Protein context (NP_002195.1, residues 520-540): ADRDRRPPRL[Arg530=]FAGSESAVFH

ClinVar aggregate classification (germline): Likely benign. Review status: criteria provided, multiple submitters, no conflicts (2 of 4 stars). 2 submissions from 2 submitters: Likely benign (2). Last evaluated 2026-06-10.

Conditions:
ITGA3-related disorder. Also called: ITGA3-related condition.

gnomAD v4.1: 8 of 1,614,230 alleles (0.0005%); highest among the groups gnomAD compares: African/African-American, 0.008%; no homozygotes.

Submissions (2):

PreventionGenetics, part of Exact Sciences
Classification: Likely benign for ITGA3-related condition. Last evaluated: 2026-06-10. Review status: criteria provided, single submitter. Criteria: ACMG Guidelines, 2015. Collection method: clinical testing. Allele origin: germline.
Comment: This variant is classified as likely benign based on ACMG/AMP sequence variant interpretation guidelines (Richards et al. 2015 PMID: 25741868, with internal and published modifications).

Labcorp Genetics (formerly Invitae), Labcorp
Classification: Likely benign. Last evaluated: 2025-06-12. Review status: criteria provided, single submitter. Criteria: Invitae Variant Classification Sherloc (09022015). Collection method: clinical testing. Allele origin: germline.